The following is an entry in ClinVar:

ClinVar aggregate classification (germline): Pathogenic. Review status: criteria provided, multiple submitters, no conflicts (2 of 4 stars). 3 submissions from 3 submitters: Pathogenic (2). 1 of the submissions does not count toward it. Last evaluated 2022-11-13.

Conditions:
Stickler syndrome, type 6. Also called: Stickler syndrome, type VI; Stickler syndrome, IIa 6. Identifiers: MedGen C5774207, MONDO:0031047, OMIM 620022.
Inborn genetic diseases. Identifiers: MedGen C0950123, MeSH D030342.

Allele frequency attached by ClinVar (database versions not stated): gnomAD 0.00001; TOPMed 0.00001.

Submissions (3):

Labcorp Genetics (formerly Invitae), Labcorp
Classification: Pathogenic. Last evaluated: 2022-11-13. Review status: criteria provided, single submitter. Criteria: Invitae Variant Classification Sherloc (09022015). Collection method: clinical testing. Allele origin: germline.
Comment: For these reasons, this variant has been classified as Pathogenic. ClinVar contains an entry for this variant (Variation ID: 520722). This sequence change creates a premature translational stop signal (p.Arg471*) in the COL9A3 gene. It is expected to result in an absent or disrupted protein product. Loss-of-function variants in COL9A3 are known to be pathogenic (PMID: 24273071, 31090205). This variant is present in population databases (rs747896279, gnomAD 0.005%). This premature translational stop signal has been observed in individual(s) with clinical features of Stickler syndrome (PMID: 31090205).

Ambry Genetics
Classification: Pathogenic for Inborn genetic diseases. Last evaluated: 2015-06-16. Review status: criteria provided, single submitter. Criteria: Ambry exome assertion method (8-5-2015). Collection method: clinical testing. Allele origin: germline. Affected: yes. Observed: 1 variant allele.

OMIM
Classification: Pathogenic for STICKLER SYNDROME, TYPE VI. Last evaluated: 2022-08-29. Review status: no assertion criteria provided. Collection method: literature only. Allele origin: germline. Not counted in ClinVar's aggregate classification.

Literature cited by the submitters: PubMed 24273071 (cited by Labcorp Genetics (formerly Invitae), Labcorp); PubMed 31090205 (cited by Labcorp Genetics (formerly Invitae), Labcorp and OMIM).

NM_001853.4(COL9A3):c.1411C>T (p.Arg471Ter)

Genes: COL9A3 (collagen type IX alpha 3 chain; plus strand), LOC126863084 (MED14-independent group 3 enhancer GRCh37_chr20:61467141-61468340; plus strand). Cytogenetic location: 20q13.33.
Variant type: single nucleotide variant.
Coding change: c.1411C>T on transcript NM_001853.4 (MANE Select); coding-DNA position 1411, C replaced by T.
Protein change: p.Arg471Ter; replaces arginine 471 with a stop codon.
Molecular consequence: nonsense.
Genome position (GRCh38, 1-based): chr20:62,836,196, C>T. VCF-style: chr20-62836196-C-T. GRCh37 (hg19) VCF-style: chr20-61467548-C-T.
Other names: c.1411C>T, p.Arg471Ter (LRG_1253t1); short protein forms R471*.
Identifiers: ClinVar variation 520722 (VCV000520722.14), dbSNP rs747896279, ClinGen allele CA9949974.